The following is an entry in ClinVar:

ClinVar aggregate classification (germline): Uncertain significance (1 of 4 stars; one submission).

gnomAD v4.1: 1 of 1,613,198 alleles (0.000062%); highest among the groups gnomAD compares: Non-Finnish European, 0.000085%; no homozygotes.

Submission:

Labcorp Genetics (formerly Invitae), Labcorp
Classification: Uncertain significance. Last evaluated: 2022-08-23. Review status: criteria provided, single submitter. Criteria: Invitae Variant Classification Sherloc (09022015). Collection method: clinical testing. Allele origin: germline.
Comment: Algorithms developed to predict the effect of missense changes on protein structure and function output the following: SIFT: "Tolerated"; PolyPhen-2: "Benign"; Align-GVGD: "Class C0". The valine amino acid residue is found in multiple mammalian species, which suggests that this missense change does not adversely affect protein function. ClinVar contains an entry for this variant (Variation ID: 1355645). This variant has not been reported in the literature in individuals affected with EIF2AK3-related conditions. This variant is not present in population databases (gnomAD no frequency). This sequence change replaces leucine, which is neutral and non-polar, with valine, which is neutral and non-polar, at codon 345 of the EIF2AK3 protein (p.Leu345Val). In summary, the available evidence is currently insufficient to determine the role of this variant in disease. Therefore, it has been classified as a Variant of Uncertain Significance. Algorithms developed to predict the effect of sequence changes on RNA splicing suggest that this variant may create or strengthen a splice site.

NM_004836.7(EIF2AK3):c.1033C>G (p.Leu345Val)

Gene: EIF2AK3 (eukaryotic translation initiation factor 2 alpha kinase 3; minus strand). Cytogenetic location: 2p11.2.
Variant type: single nucleotide variant.
Coding change: c.1033C>G on transcript NM_004836.7 (MANE Select); coding-DNA position 1033, C replaced by G.
Protein change: p.Leu345Val; replaces leucine 345 with valine.
Molecular consequence: missense variant.
Genome position (GRCh38, 1-based): chr2:88,590,575, G>C on the plus strand (C>G on the coding strand, the complement: EIF2AK3 is on the minus strand). VCF-style: chr2-88590575-G-C. GRCh37 (hg19) VCF-style: chr2-88890093-G-C.
Other names: c.580C>G, p.Leu194Val (NM_001313915.2); short protein forms L345V, L194V.
Identifiers: ClinVar variation 1355645 (VCV001355645.8), dbSNP rs767330545, ClinGen allele CA347595642.